The following is an entry in ClinVar:

NM_139119.3(YY1AP1):c.-151-38C>T

Genes: DAP3 (death associated protein 3; plus strand), YY1AP1 (YY1 associated protein 1; minus strand). Cytogenetic location: 1q22.
Variant type: single nucleotide variant.
Coding change: c.-151-38C>T on transcript NM_139119.3 (MANE Select); 38 bases into the intron before 151 bases upstream of the start codon, C replaced by T.
Molecular consequence: intron variant. On other transcripts: missense variant (2).
Genome position (GRCh38, 1-based): chr1:155,688,239, G>A on the plus strand (C>T on the coding strand, the complement: YY1AP1 is on the minus strand). VCF-style: chr1-155688239-G-A. GRCh37 (hg19) VCF-style: chr1-155658030-G-A.
Other names: c.226C>T, p.Leu76Phe (NM_001198903.1, NM_001198904.1); c.-21+691C>T (NM_001198901.2); c.-375+691C>T (NM_139121.3); c.48-38C>T (NM_139118.3, NM_001198906.2); c.-21+420C>T (NM_001198902.2); c.-143-38C>T (NM_001198900.2); c.-151-38C>T (NM_001198905.2); c.-265-38C>T (NM_018253.4); short protein forms L76F.
Identifiers: ClinVar variation 3191694 (VCV003191694.3), dbSNP rs533867635, ClinGen allele CA1149021.

ClinVar aggregate classification (germline): Uncertain significance. Review status: criteria provided, multiple submitters, no conflicts (2 of 4 stars). 2 submissions from 2 submitters: Uncertain significance (2). Last evaluated 2026-08-13.

Conditions:
Inborn genetic diseases. Identifiers: MedGen C0950123, MeSH D030342.
YY1AP1-related disorder. Also called: YY1AP1-related condition.

Allele frequency attached by ClinVar (database versions not stated): gnomAD exomes 0.00004; ExAC 0.00007; TOPMed 0.00011; gnomAD 0.00007; 1000 Genomes Project 30x 0.00016; 1000 Genomes Project 0.00020.
gnomAD v4.1: 69 of 1,610,904 alleles (0.0043%); highest among the groups gnomAD compares: East Asian, 0.02%; no homozygotes.

Submissions (2):

Ambry Genetics
Classification: Uncertain significance for Inborn genetic diseases. Last evaluated: 2026-08-13. Review status: criteria provided, single submitter. Criteria: Ambry Variant Classification Scheme 2023. Collection method: clinical testing. Allele origin: germline.

PreventionGenetics, part of Exact Sciences
Classification: Uncertain significance for YY1AP1-related condition. Last evaluated: 2026-07-31. Review status: criteria provided, single submitter. Criteria: ACMG Guidelines, 2015. Collection method: clinical testing. Allele origin: germline.
Comment: The YY1AP1 c.226C>T variant is predicted to result in the amino acid substitution p.Leu76Phe. To our knowledge, this variant has not been reported in the literature. This variant is reported in 0.041% of alleles in individuals of East Asian descent in gnomAD. At this time, the clinical significance of this variant is uncertain due to the absence of conclusive functional and genetic evidence.